The following is an entry in ClinVar:

NM_000719.7(CACNA1C):c.5909C>T (p.Pro1970Leu)

Genes: CACNA1C (calcium voltage-gated channel subunit alpha1 C; plus strand), CACNA1C-AS1 (CACNA1C antisense RNA 1; minus strand). Cytogenetic location: 12p13.33.
Variant type: single nucleotide variant.
Coding change: c.5909C>T on transcript NM_000719.7 (MANE Select); coding-DNA position 5909, C replaced by T.
Protein change: p.Pro1970Leu; replaces proline 1970 with leucine.
Molecular consequence: missense variant.
Genome position (GRCh38, 1-based): chr12:2,688,571, C>T. VCF-style: chr12-2688571-C-T. GRCh37 (hg19) VCF-style: chr12-2797737-C-T.
Other names: c.6053C>T, p.Pro2018Leu (NM_001129827.2); c.6032C>T, p.Pro2011Leu (NM_001129829.2); c.6014C>T, p.Pro2005Leu (NM_001129830.3, NM_001167624.3); c.5993C>T, p.Pro1998Leu (NM_001129831.2); c.5969C>T, p.Pro1990Leu (NM_001129832.2); c.5966C>T, p.Pro1989Leu (NM_001129833.2, NM_001129834.2, NM_001129835.2); c.5960C>T, p.Pro1987Leu (NM_001129836.2); c.5933C>T, p.Pro1978Leu (NM_001129837.2, NM_001129838.2); and 6 more; short protein forms P1978L, P1990L, P2005L, P2011L, P2053L, P1989L, P2018L, P1967L.
Identifiers: ClinVar variation 2908128 (VCV002908128.3), dbSNP rs1417213556, ClinGen allele CA383384446.
Genomic context (GRCh38, chr12:2,688,571, plus strand): 5'-GGCCTTTTGCCACCCCACCAGCCACACCTGGCAGCCGAGGCTGGCCCCCACAGCCCGTCC[C>T]CACCCTGCGGCTTGAGGGGGTCGAGTCCAGTGAGAAACTCAACAGCAGCTTCCCATCCAT-3'
Protein context (NP_000710.5, residues 1960-1980): GSRGWPPQPV[Pro1970Leu]TLRLEGVESS

ClinVar aggregate classification (germline): Uncertain significance (1 of 4 stars; one submission).

Conditions:
Long QT syndrome (LQTS). Identifiers: MedGen C0023976, MeSH D008133, MONDO:0002442. Disease mechanism: loss of function. Inheritance: Various modes of inheritance.

Allele frequency attached by ClinVar (database versions not stated): gnomAD exomes below 0.00001; TOPMed below 0.00001; gnomAD 0.00001.
gnomAD v4.1: 2 of 1,613,892 alleles (0.00012%); highest among the groups gnomAD compares: Admixed American, 0.0033%; no homozygotes.

Submission:

Labcorp Genetics (formerly Invitae), Labcorp
Classification: Uncertain significance for Long QT syndrome. Last evaluated: 2022-12-06. Review status: criteria provided, single submitter. Criteria: Invitae Variant Classification Sherloc (09022015). Collection method: clinical testing. Allele origin: germline.
Comment: In summary, the available evidence is currently insufficient to determine the role of this variant in disease. Therefore, it has been classified as a Variant of Uncertain Significance. Advanced modeling of protein sequence and biophysical properties (such as structural, functional, and spatial information, amino acid conservation, physicochemical variation, residue mobility, and thermodynamic stability) performed at Invitae indicates that this missense variant is not expected to disrupt CACNA1C protein function. This variant has not been reported in the literature in individuals affected with CACNA1C-related conditions. This variant is not present in population databases (gnomAD no frequency). This sequence change replaces proline, which is neutral and non-polar, with leucine, which is neutral and non-polar, at codon 1970 of the CACNA1C protein (p.Pro1970Leu).